The following is an entry in ClinVar:

NM_003738.5(PTCH2):c.936-1G>A

Gene: PTCH2 (patched 2; minus strand). Cytogenetic location: 1p34.1.
Variant type: single nucleotide variant.
Coding change: c.936-1G>A on transcript NM_003738.5 (MANE Select); the canonical splice acceptor site of the intron before coding-DNA position 936, G replaced by A.
Molecular consequence: splice acceptor variant.
Genome position (GRCh38, 1-based): chr1:44,829,762, C>T on the plus strand (G>A on the coding strand, the complement: PTCH2 is on the minus strand). VCF-style: chr1-44829762-C-T. GRCh37 (hg19) VCF-style: chr1-45295434-C-T.
Other names: c.936-1G>A (NM_001166292.2).
Identifiers: ClinVar variation 1953367 (VCV001953367.5), dbSNP rs776595824, ClinGen allele CA340104938.
Genomic context (GRCh38, chr1:44,829,762, plus strand): 5'-AAATGCTCGTACAGCTGGCGGGGACTCATCAGCAAGAAGGTGCTCTGCAGGGCCTCTGCC[C>T]TGGTGGGGGTGTGGGAGAACCAGGGGTCAGAGCTGGCCCAAACACCTGGTGAGGGATGTG-3'

ClinVar aggregate classification (germline): Uncertain significance (1 of 4 stars; one submission).

Conditions:
Gorlin syndrome. Also called: Basal cell nevus syndrome; Nevoid Basal Cell Carcinoma Syndrome. Identifiers: Orphanet 377, MedGen C0004779, MONDO:0007187.

Submission:

Labcorp Genetics (formerly Invitae), Labcorp
Classification: Uncertain significance for Gorlin syndrome. Last evaluated: 2022-05-10. Review status: criteria provided, single submitter. Criteria: Invitae Variant Classification Sherloc (09022015). Collection method: clinical testing. Allele origin: germline.
Comment: This sequence change affects an acceptor splice site in intron 7 of the PTCH2 gene. It is expected to disrupt RNA splicing. Variants that disrupt the donor or acceptor splice site typically lead to a loss of protein function (PMID: 16199547), however the current clinical and genetic evidence is not sufficient to establish whether loss-of-function variants in PTCH2 cause disease. In summary, the available evidence is currently insufficient to determine the role of this variant in disease. Therefore, it has been classified as a Variant of Uncertain Significance. Algorithms developed to predict the effect of sequence changes on RNA splicing suggest that this variant may disrupt the consensus splice site. This variant has not been reported in the literature in individuals affected with PTCH2-related conditions. This variant is not present in population databases (gnomAD no frequency).

Literature cited by the submitters: PubMed 16199547.